The following is an entry in ClinVar:

ClinVar aggregate classification (germline): Uncertain significance. Review status: criteria provided, multiple submitters, no conflicts (2 of 4 stars). 4 submissions from 4 submitters: Uncertain significance (4). Last evaluated 2025-01-21.

Conditions:
Usher syndrome type 3B. Also called: USHER SYNDROME, TYPE IIIB. Identifiers: MedGen C3281066, MONDO:0013788, OMIM 614504.

Allele frequency attached by ClinVar (database versions not stated): gnomAD exomes below 0.00001; TOPMed 0.00001.
gnomAD v4.1: 3 of 1,614,284 alleles (0.00019%); highest among the groups gnomAD compares: African/African-American, 0.0013%; no homozygotes.

Submissions (4):

Ambry Genetics
Classification: Uncertain significance. Last evaluated: 2025-01-21. Review status: criteria provided, single submitter. Criteria: Ambry Variant Classification Scheme 2023. Collection method: clinical testing. Allele origin: germline.

Labcorp Genetics (formerly Invitae), Labcorp
Classification: Uncertain significance for Usher syndrome type 3B. Last evaluated: 2024-11-05. Review status: criteria provided, single submitter. Criteria: Invitae Variant Classification Sherloc (09022015). Collection method: clinical testing. Allele origin: germline.
Comment: This sequence change replaces glutamic acid, which is acidic and polar, with lysine, which is basic and polar, at codon 349 of the HARS protein (p.Glu349Lys). This variant is not present in population databases (gnomAD no frequency). This variant has not been reported in the literature in individuals affected with HARS-related conditions. ClinVar contains an entry for this variant (Variation ID: 451496). An algorithm developed to predict the effect of missense changes on protein structure and function (PolyPhen-2) suggests that this variant is likely to be tolerated. In summary, the available evidence is currently insufficient to determine the role of this variant in disease. Therefore, it has been classified as a Variant of Uncertain Significance.

Blueprint Genetics
Classification: Uncertain significance. Last evaluated: 2024-09-13. Review status: criteria provided, single submitter. Criteria: ACMG Guidelines, 2015. Collection method: clinical testing. Allele origin: germline.

GeneDx
Classification: Uncertain significance. Last evaluated: 2024-07-29. Review status: criteria provided, single submitter. Criteria: GeneDx Variant Classification Process June 2021. Collection method: clinical testing. Allele origin: germline. Affected: yes.
Comment: Not observed at significant frequency in large population cohorts (gnomAD); In silico analysis indicates that this missense variant does not alter protein structure/function; Has not been previously published as pathogenic or benign to our knowledge

NM_002109.6(HARS1):c.1045G>A (p.Glu349Lys)

Gene: HARS1 (histidyl-tRNA synthetase 1; minus strand). Cytogenetic location: 5q31.3.
Variant type: single nucleotide variant.
Coding change: c.1045G>A on transcript NM_002109.6 (MANE Select); coding-DNA position 1045, G replaced by A.
Protein change: p.Glu349Lys; replaces glutamic acid 349 with lysine.
Molecular consequence: missense variant.
Genome position (GRCh38, 1-based): chr5:140,676,803, C>T on the plus strand (G>A on the coding strand, the complement: HARS1 is on the minus strand). VCF-style: chr5-140676803-C-T. GRCh37 (hg19) VCF-style: chr5-140056388-C-T.
Other names: c.925G>A, p.Glu309Lys (NM_001258040.3); c.985G>A, p.Glu329Lys (NM_001258041.3); c.865G>A, p.Glu289Lys (NM_001258042.3); c.823G>A, p.Glu275Lys (NM_001289092.2); c.703G>A, p.Glu235Lys (NM_001289093.2); c.1045G>A (NM_002109.3); c.958G>A, p.Glu320Lys (NM_001289094.2); short protein forms E349K, E275K, E309K, E289K, E329K, E235K, E320K.
Identifiers: ClinVar variation 451496 (VCV000451496.12), dbSNP rs1371763515, ClinGen allele CA361251547.